The following is an entry in ClinVar:

NM_001166108.2(PALLD):c.3329T>C (p.Val1110Ala)

Genes: CBR4 (carbonyl reductase 4; minus strand), PALLD (palladin, cytoskeletal associated protein; plus strand). Cytogenetic location: 4q32.3.
Variant type: single nucleotide variant.
Coding change: c.3329T>C on transcript NM_001166108.2 (MANE Select); coding-DNA position 3329, T replaced by C.
Protein change: p.Val1110Ala; replaces valine 1110 with alanine.
Molecular consequence: missense variant.
Genome position (GRCh38, 1-based): chr4:168,925,049, T>C. VCF-style: chr4-168925049-T-C. GRCh37 (hg19) VCF-style: chr4-169846200-T-C.
Other names: c.2132T>C, p.Val711Ala (NM_001166109.2); c.1817T>C, p.Val606Ala (NM_001166110.2); c.1157T>C, p.Val386Ala (NM_001367567.1, NM_001367569.1); c.1208T>C, p.Val403Ala (NM_001367568.1, NM_001367570.1); c.3278T>C, p.Val1093Ala (NM_016081.4); short protein forms V403A, V711A, V1093A, V1110A, V386A, V606A.
Identifiers: ClinVar variation 4130404 (VCV004130404.1).
Genomic context (GRCh38, chr4:168,925,049, plus strand): 5'-GAGCCACAAAAGAAGATGCTGGGTGGTATACTGTGTCAGCCAAGAATGAAGCAGGGATTG[T>C]GTCCTGTACTGCCAGGCTGGACGTTTACAGTGAGTGCCACTTCATCTCATTTCATTGCGT-3'
Protein context (NP_001159580.1, residues 1100-1120): TVSAKNEAGI[Val1110Ala]SCTARLDVYI

ClinVar aggregate classification (germline): Uncertain significance (1 of 4 stars; one submission).

Submission:

Ambry Genetics
Classification: Uncertain significance. Last evaluated: 2025-07-12. Review status: criteria provided, single submitter. Criteria: Ambry Variant Classification Scheme 2023. Collection method: clinical testing. Allele origin: germline.
Comment: The p.V606A variant (also known as c.1817T>C), located in coding exon 10 of the PALLD gene, results from a T to C substitution at nucleotide position 1817. The valine at codon 606 is replaced by alanine, an amino acid with similar properties. This amino acid position is conserved. In addition, the in silico prediction for this alteration is inconclusive. Based on the available evidence, the clinical significance of this variant remains unclear.